The following is an entry in ClinVar:

NM_001009944.3(PKD1):c.2293C>T (p.Pro765Ser)

Gene: PKD1 (polycystin 1, transient receptor potential channel interacting; minus strand). Cytogenetic location: 16p13.3.
Variant type: single nucleotide variant.
Coding change: c.2293C>T on transcript NM_001009944.3 (MANE Select); coding-DNA position 2293, C replaced by T.
Protein change: p.Pro765Ser; replaces proline 765 with serine.
Molecular consequence: missense variant.
Genome position (GRCh38, 1-based): chr16:2,114,730, G>A on the plus strand (C>T on the coding strand, the complement: PKD1 is on the minus strand). VCF-style: chr16-2114730-G-A. GRCh37 (hg19) VCF-style: chr16-2164731-G-A.
Other names: c.2293C>T, p.Pro765Ser (NM_000296.4); short protein forms P765S.
Identifiers: ClinVar variation 4137465 (VCV004137465.2).

ClinVar aggregate classification (germline): Uncertain significance. Review status: criteria provided, multiple submitters, no conflicts (2 of 4 stars). 2 submissions from 2 submitters: Uncertain significance (2). Last evaluated 2026-06-26.

Conditions:
Inborn genetic diseases. Identifiers: MedGen C0950123, MeSH D030342.
PKD1-related disorder. Also called: PKD1-related condition.

gnomAD v4.1: 20 of 1,529,648 alleles (0.0013%); highest among the groups gnomAD compares: Middle Eastern, 0.046%; no homozygotes.

Submissions (2):

PreventionGenetics, part of Exact Sciences
Classification: Uncertain significance for PKD1-related condition. Last evaluated: 2026-06-26. Review status: criteria provided, single submitter. Criteria: ACMG Guidelines, 2015. Collection method: clinical testing. Allele origin: germline.
Comment: The PKD1 c.2293C>T variant is predicted to result in the amino acid substitution p.Pro765Ser. To our knowledge, this variant has not been reported in the literature or in a large population database (gnomAD), indicating this variant is rare. At this time, the clinical significance of this variant is uncertain due to the absence of conclusive functional and genetic evidence.

Ambry Genetics
Classification: Uncertain significance for Inborn genetic diseases. Last evaluated: 2025-07-12. Review status: criteria provided, single submitter. Criteria: Ambry Variant Classification Scheme 2023. Collection method: clinical testing. Allele origin: germline.